The following is an entry in ClinVar:

NM_001077365.2(POMT1):c.264G>A (p.Trp88Ter)

Gene: POMT1 (protein O-mannosyltransferase 1; plus strand). Cytogenetic location: 9q34.13.
Variant type: single nucleotide variant.
Coding change: c.264G>A on transcript NM_001077365.2 (MANE Select); coding-DNA position 264, G replaced by A.
Protein change: p.Trp88Ter; replaces tryptophan 88 with a stop codon.
Molecular consequence: nonsense. On other transcripts: 5 prime UTR variant (4), missense variant (1), non-coding transcript variant (10), intron variant (3).
Genome position (GRCh38, 1-based): chr9:131,506,437, G>A. VCF-style: chr9-131506437-G-A. GRCh37 (hg19) VCF-style: chr9-134381824-G-A.
Other names: c.102G>A, p.Trp34Ter (NM_001077366.2, NM_001353194.2, NM_001353197.2 and 3 more transcripts); c.264G>A, p.Trp88Ter (NM_001136113.2, NM_001353193.2, NM_001374690.1 and 1 more transcripts); c.-88G>A (NM_001136114.2, NM_001353195.2, NM_001353199.2); c.157G>A, p.Glu53Lys (NM_001353196.2); c.-46G>A (NM_001353200.2); c.-71-931G>A (NM_001374691.1, NM_001374692.1); c.-30+2097G>A (NM_001374695.1); short protein forms E53K, W34*, W88*.
Identifiers: ClinVar variation 956205 (VCV000956205.9), dbSNP rs1945827957, ClinGen allele CA375305860.
Genomic context (GRCh38, chr9:131,506,437, plus strand): 5'-AGTTACTGATTAATCTTCTGTTTCAGGTTATTTAGGAGGATTCGATGGCAATTTTTTGTG[G>A]AACAGAATTGGAGCAGGTAAAAGATAATTTTCATTTCCCTTTTAATGTGCGCAGGTTAGA-3'

ClinVar aggregate classification (germline): Pathogenic/Likely pathogenic. Review status: criteria provided, multiple submitters, no conflicts (2 of 4 stars). 2 submissions from 2 submitters: Pathogenic (1); Likely pathogenic (1). Last evaluated 2025-11-24.

Conditions:
Muscular dystrophy-dystroglycanopathy (congenital with brain and eye anomalies), type A1 (MDDGA1). Also called: COD-MD SYNDROME; Muscular dystrophy-dystroglycanopathy (congenital with brain and eye anomalies), type A, 1; WALKER-WARBURG SYNDROME OR MUSCLE-EYE-BRAIN DISEASE, POMT1-RELATED; Hydrocephalus, agyria and retinal dysplasia; Hard +/- E syndrome; Warburg syndrome. Identifiers: Orphanet 588, Orphanet 899, MedGen C4284790, MONDO:0009364, OMIM 236670.
Autosomal recessive limb-girdle muscular dystrophy type 2K. Also called: MUSCULAR DYSTROPHY-DYSTROGLYCANOPATHY (LIMB-GIRDLE), TYPE C, 1; MUSCULAR DYSTROPHY, LIMB-GIRDLE, TYPE 2K. Identifiers: Orphanet 86812, MedGen C1836373, MONDO:0012248, OMIM 609308.
Walker-Warburg congenital muscular dystrophy. Also called: Muscular dystrophy-dystroglycanopathy, type A; Walker-Warburg syndrome. Identifiers: Orphanet 899, MedGen C0265221, MONDO:0000171.
Muscular dystrophy-dystroglycanopathy (congenital with impaired intellectual development), type B, 1. Also called: Muscular dystrophy-dystroglycanopathy (congenital with intellectual disability), type B1; MUSCULAR DYSTROPHY, CONGENITAL, POMT1-RELATED. Identifiers: MedGen C5436962, MONDO:0013159, OMIM 613155.

Submissions (2):

Labcorp Genetics (formerly Invitae), Labcorp
Classification: Pathogenic for Muscular dystrophy-dystroglycanopathy (congenital with impaired intellectual development), type B, 1; Walker-Warburg congenital muscular dystrophy; Autosomal recessive limb-girdle muscular dystrophy type 2K. Last evaluated: 2025-11-24. Review status: criteria provided, single submitter. Criteria: Invitae Variant Classification Sherloc (09022015). Collection method: clinical testing. Allele origin: germline.
Comment: This sequence change creates a premature translational stop signal (p.Trp88*) in the POMT1 gene. It is expected to result in an absent or disrupted protein product. Loss-of-function variants in POMT1 are known to be pathogenic (PMID: 12369018, 15637732, 16575835). This variant is not present in population databases (gnomAD no frequency). This variant has not been reported in the literature in individuals affected with POMT1-related conditions. ClinVar contains an entry for this variant (Variation ID: 956205). For these reasons, this variant has been classified as Pathogenic.

Baylor Genetics
Classification: Likely pathogenic for Muscular dystrophy-dystroglycanopathy (congenital with brain and eye anomalies), type A1. Last evaluated: 2024-03-29. Review status: criteria provided, single submitter. Criteria: ACMG Guidelines, 2015. Collection method: clinical testing. Allele origin: unknown.

Literature cited by the submitters: PubMed 12369018 (cited by Labcorp Genetics (formerly Invitae), Labcorp); PubMed 15637732 (cited by Labcorp Genetics (formerly Invitae), Labcorp); PubMed 16575835 (cited by Labcorp Genetics (formerly Invitae), Labcorp).